The following is an entry in ClinVar:

ClinVar aggregate classification (germline): Likely benign. Review status: criteria provided, multiple submitters, no conflicts (2 of 4 stars). 4 submissions from 4 submitters: Likely benign (3). 1 of the submissions does not count toward it. Last evaluated 2026-01-21.

Conditions:
COL2A1-related disorder. Also called: COL2A1-related condition; COL2A1-related disorders.

Allele frequency attached by ClinVar (database versions not stated): gnomAD exomes 0.00001 and 0.00002; ExAC 0.00003; gnomAD 0.00004; TOPMed 0.00004; ESP Exome Variant Server 0.00008; 1000 Genomes Project 30x 0.00016; 1000 Genomes Project 0.00020.
gnomAD v4.1: 23 of 1,614,062 alleles (0.0014%); highest among the groups gnomAD compares: Non-Finnish European, 0.0017%; no homozygotes.

Submissions (4):

Labcorp Genetics (formerly Invitae), Labcorp
Classification: Likely benign. Last evaluated: 2026-01-21. Review status: criteria provided, single submitter. Criteria: Invitae Variant Classification Sherloc (09022015). Collection method: clinical testing. Allele origin: germline.

Blueprint Genetics
Classification: Likely benign. Last evaluated: 2021-08-25. Review status: criteria provided, single submitter. Criteria: ACMG Guidelines, 2015. Collection method: clinical testing. Allele origin: germline.

GeneDx
Classification: Likely benign. Last evaluated: 2020-10-29. Review status: criteria provided, single submitter. Criteria: GeneDx Variant Classification Process June 2021. Collection method: clinical testing. Allele origin: germline. Affected: yes.

PreventionGenetics, part of Exact Sciences
Classification: Likely benign for COL2A1-related condition. Last evaluated: 2020-09-21. Review status: no assertion criteria provided. Collection method: clinical testing. Allele origin: germline. Not counted in ClinVar's aggregate classification.
Comment: This variant is classified as likely benign based on ACMG/AMP sequence variant interpretation guidelines (Richards et al. 2015 PMID: 25741868, with internal and published modifications).

NM_001844.5(COL2A1):c.2961G>A (p.Gly987=)

Gene: COL2A1 (collagen type II alpha 1 chain; minus strand). Cytogenetic location: 12q13.11.
Variant type: single nucleotide variant.
Coding change: c.2961G>A on transcript NM_001844.5 (MANE Select); coding-DNA position 2961, G replaced by A.
Protein change: p.Gly987=; no amino-acid change (glycine 987 retained).
Molecular consequence: synonymous variant.
Genome position (GRCh38, 1-based): chr12:47,978,333, C>T on the plus strand (G>A on the coding strand, the complement: COL2A1 is on the minus strand). VCF-style: chr12-47978333-C-T. GRCh37 (hg19) VCF-style: chr12-48372116-C-T.
Other names: c.2754G>A, p.Gly918= (NM_033150.3).
Identifiers: ClinVar variation 682149 (VCV000682149.14), dbSNP rs372938742, ClinGen allele CA6534941.